The following is an entry in ClinVar:

NM_003919.3(SGCE):c.1017G>A (p.Met339Ile)

Genes: CASD1 (CAS1 domain sialic acid O acetyltransferase 1; plus strand), SGCE (sarcoglycan epsilon; minus strand). Cytogenetic location: 7q21.3.
Variant type: single nucleotide variant.
Coding change: c.1017G>A on transcript NM_003919.3 (MANE Select); coding-DNA position 1017, G replaced by A.
Protein change: p.Met339Ile; replaces methionine 339 with isoleucine.
Molecular consequence: missense variant.
Genome position (GRCh38, 1-based): chr7:94,600,666, C>T on the plus strand (G>A on the coding strand, the complement: SGCE is on the minus strand). VCF-style: chr7-94600666-C-T. GRCh37 (hg19) VCF-style: chr7-94229978-C-T.
Other names: c.1017G>A, p.Met339Ile (NM_001099400.2, NM_001099401.2, NM_001346717.2); c.894G>A, p.Met298Ile (NM_001301139.2, NM_001362809.2); c.1125G>A, p.Met375Ile (NM_001346713.2, NM_001346715.2); c.930G>A, p.Met310Ile (NM_001346719.2, NM_001362807.2); c.744G>A, p.Met248Ile (NM_001346720.2, NM_001362808.2); short protein forms M310I, M298I, M248I, M375I, M339I.
Identifiers: ClinVar variation 4743445 (VCV004743445.1).

ClinVar aggregate classification (germline): Uncertain significance (1 of 4 stars; one submission).

Conditions:
Myoclonic dystonia 11 (DYT11). Also called: Myoclonic dystonia; Dystonia 11; Dystonia, alcohol responsive; Hereditary essential myoclonus; SGCE Myoclonus-Dystonia; Myoclonus-Dystonia. Identifiers: Orphanet 36899, MedGen C1834570, MONDO:0008044, OMIM 159900.

Submission:

Labcorp Genetics (formerly Invitae), Labcorp
Classification: Uncertain significance for Myoclonic dystonia 11. Last evaluated: 2025-09-24. Review status: criteria provided, single submitter. Criteria: Invitae Variant Classification Sherloc (09022015). Collection method: clinical testing. Allele origin: germline.
Comment: This sequence change replaces methionine, which is neutral and non-polar, with isoleucine, which is neutral and non-polar, at codon 339 of the SGCE protein (p.Met339Ile). This variant is not present in population databases (gnomAD no frequency). This variant has not been reported in the literature in individuals affected with SGCE-related conditions. Invitae Evidence Modeling of protein sequence and biophysical properties (such as structural, functional, and spatial information, amino acid conservation, physicochemical variation, residue mobility, and thermodynamic stability) indicates that this missense variant is expected to disrupt SGCE protein function with a positive predictive value of 80%. In summary, the available evidence is currently insufficient to determine the role of this variant in disease. Therefore, it has been classified as a Variant of Uncertain Significance.